The following is an entry in ClinVar:

NM_001267550.2(TTN):c.86140G>T (p.Gly28714Ter)

Genes: TTN-AS1 (TTN antisense RNA 1; plus strand), TTN (titin; minus strand). Cytogenetic location: 2q31.2.
Variant type: single nucleotide variant.
Coding change: c.86140G>T on transcript NM_001267550.2 (MANE Select); coding-DNA position 86140, G replaced by T.
Protein change: p.Gly28714Ter; replaces glycine 28714 with a stop codon.
Molecular consequence: nonsense.
Genome position (GRCh38, 1-based): chr2:178,559,992, C>A on the plus strand (G>T on the coding strand, the complement: TTN is on the minus strand). VCF-style: chr2-178559992-C-A. GRCh37 (hg19) VCF-style: chr2-179424719-C-A.
Other names: c.81217G>T, p.Gly27073Ter (NM_001256850.1); c.58945G>T, p.Gly19649Ter (NM_003319.4); c.78436G>T, p.Gly26146Ter (NM_133378.4); c.59320G>T, p.Gly19774Ter (NM_133432.3); c.59521G>T, p.Gly19841Ter (NM_133437.4); short protein forms G19649*, G19774*, G19841*, G26146*, G27073*, G28714*.
Identifiers: ClinVar variation 2574062 (VCV002574062.1), dbSNP rs532818379, ClinGen allele CA349546294.
Genomic context (GRCh38, chr2:178,559,992, plus strand): 5'-TAGCACCAACCTTATTGACAGATTTTACTCTGAAAACATATTCAGCTCCTGTTGTTAGTC[C>A]GCTTATTGTATATTCTGTCCCTCGTAAGCTCTGAATGGAAGTTTTCCAGTCAGTGTCATC-3'

ClinVar aggregate classification (germline): Likely pathogenic (0 of 4 stars; one submission).

Conditions:
Dilated cardiomyopathy 1G (CMD1G). Identifiers: Orphanet 154, MedGen C1858763, MONDO:0011400, OMIM 604145.

Submission:

deCODE genetics, Amgen
Classification: Likely pathogenic for Dilated cardiomyopathy 1G. Last evaluated: 2023-07-21. Review status: no assertion criteria provided. Collection method: research. Allele origin: germline. Affected: yes. Observed: 1 variant allele.
Comment: The variant NM_001267550.2:c.86140G>T (chr2:178559992) in TTN was detected in 1 heterozygote out of 58K WGS Icelanders (MAF= 0,001%). This variant has not been reported in ClinVar previously. Based on ACMG criteria (PVS1, PM2) this variant classifies as likely pathogenic.